The following is an entry in ClinVar:

ClinVar aggregate classification (germline): Benign (1 of 4 stars; one submission).

Allele frequency attached by ClinVar (database versions not stated): gnomAD 0.49032 and 0.49715; TOPMed 0.49167; 1000 Genomes Project 30x 0.51156; 1000 Genomes Project 0.52037.
gnomAD v4.1: 75,334 of 151,690 alleles (50%); highest among the groups gnomAD compares: East Asian, 71%; 19,483 homozygotes.

Submission:

GeneDx
Classification: Benign. Last evaluated: 2018-06-18. Review status: criteria provided, single submitter. Criteria: GeneDx Variant Classification (06012015). Collection method: clinical testing. Allele origin: germline. Affected: yes.
Comment: This variant is considered likely benign or benign based on one or more of the following criteria: it is a conservative change, it occurs at a poorly conserved position in the protein, it is predicted to be benign by multiple in silico algorithms, and/or has population frequency not consistent with disease.

NM_152393.4(KLHL40):c.1755-200G>C

Gene: KLHL40 (kelch like family member 40; plus strand). Cytogenetic location: 3p22.1.
Variant type: single nucleotide variant.
Coding change: c.1755-200G>C on transcript NM_152393.4 (MANE Select); 200 bases into the intron before coding-DNA position 1755, G replaced by C.
Molecular consequence: intron variant.
Genome position (GRCh38, 1-based): chr3:42,691,682, G>C. VCF-style: chr3-42691682-G-C. GRCh37 (hg19) VCF-style: chr3-42733174-G-C.
Identifiers: ClinVar variation 682890 (VCV000682890.1), dbSNP rs61163642, ClinGen allele CA74196670.